The following is an entry in ClinVar:

NM_005343.4(HRAS):c.102C>G (p.Pro34=)

Genes: HRAS (HRas proto-oncogene, GTPase; minus strand), LRRC56 (leucine rich repeat containing 56; plus strand). Cytogenetic location: 11p15.5.
Variant type: single nucleotide variant.
Coding change: c.102C>G on transcript NM_005343.4 (MANE Select); coding-DNA position 102, C replaced by G.
Protein change: p.Pro34=; no amino-acid change (proline 34 retained).
Molecular consequence: synonymous variant. On other transcripts: 5 prime UTR variant (1).
Genome position (GRCh38, 1-based): chr11:534,221, G>C on the plus strand (C>G on the coding strand, the complement: HRAS is on the minus strand). VCF-style: chr11-534221-G-C. GRCh37 (hg19) VCF-style: chr11-534221-G-C.
Other names: c.102C>G, p.Pro34= (NM_001130442.3, NM_176795.5); c.-218C>G (NM_001318054.2).
Identifiers: ClinVar variation 700253 (VCV000700253.37), dbSNP rs149199691, ClinGen allele CA472429377.
Genomic context (GRCh38, chr11:534,221, plus strand): 5'-TGGGCTCGCCCGCAGCAGCTGCTGGCACCTGGACGGCGGCGCCAGGCTCACCTCTATAGT[G>C]GGGTCGTATTCGTCCACAAAATGGTTCTGGATCAGCTGGATGGTCAGCGCACTCTTGCCC-3'
Protein context (NP_005334.1, residues 24-44): IQNHFVDEYD[Pro34=]TIEDSYRKQV

ClinVar aggregate classification (germline): Conflicting classifications of pathogenicity. Review status: criteria provided, conflicting classifications (1 of 4 stars). 4 submissions from 4 submitters: Uncertain significance (1); Likely benign (3). Last evaluated 2026-08-10.

Conditions:
Costello syndrome (CSTLO). Also called: FCS SYNDROME; HRAS-Related Costello Syndrome; FACIOCUTANEOSKELETAL SYNDROME. Identifiers: Orphanet 3071, MedGen C0587248, MONDO:0009026, OMIM 218040.
Cardiovascular phenotype. Identifiers: MedGen CN230736.

gnomAD v4.1: 3 of 1,611,626 alleles (0.00019%); highest among the groups gnomAD compares: Non-Finnish European, 0.00025%; no homozygotes.

Submissions (4):

Ambry Genetics
Classification: Likely benign for Cardiovascular phenotype. Last evaluated: 2026-08-10. Review status: criteria provided, single submitter. Criteria: Ambry Variant Classification Scheme 2023. Collection method: clinical testing. Allele origin: germline.

Labcorp Genetics (formerly Invitae), Labcorp
Classification: Likely benign for Costello syndrome. Last evaluated: 2025-12-10. Review status: criteria provided, single submitter. Criteria: Invitae Variant Classification Sherloc (09022015). Collection method: clinical testing. Allele origin: germline.

CeGaT Center for Human Genetics Tuebingen
Classification: Likely benign. Last evaluated: 2022-07-01. Review status: criteria provided, single submitter. Criteria: CeGaT Center For Human Genetics Tuebingen Variant Classification Criteria Version 2. Collection method: clinical testing. Allele origin: germline. Affected: yes. Observed: 1 variant allele.
Comment: HRAS: PM2:Supporting, BP4, BP7

GeneDx
Classification: Uncertain significance. Last evaluated: 2022-01-12. Review status: criteria provided, single submitter. Criteria: GeneDx Variant Classification Process June 2021. Collection method: clinical testing. Allele origin: germline. Affected: yes.
Comment: Not observed at significant frequency in large population cohorts (gnomAD); In silico analysis supports that this variant does not alter splicing; Has not been previously published as pathogenic or benign to our knowledge